The following is an entry in ClinVar:

NM_000435.3(NOTCH3):c.3783C>G (p.Cys1261Trp)

Gene: NOTCH3 (notch receptor 3; minus strand). Cytogenetic location: 19p13.12.
Variant type: single nucleotide variant.
Coding change: c.3783C>G on transcript NM_000435.3 (MANE Select); coding-DNA position 3783, C replaced by G.
Protein change: p.Cys1261Trp; replaces cysteine 1261 with tryptophan.
Molecular consequence: missense variant.
Genome position (GRCh38, 1-based): chr19:15,178,877, G>C on the plus strand (C>G on the coding strand, the complement: NOTCH3 is on the minus strand). VCF-style: chr19-15178877-G-C. GRCh37 (hg19) VCF-style: chr19-15289688-G-C.
Other names: short protein forms C1261W.
Identifiers: ClinVar variation 2684137 (VCV002684137.1), dbSNP rs2145416923, ClinGen allele CA404507743.
Genomic context (GRCh38, chr19:15,178,877, plus strand): 5'-ACCTACCTGGGCACAGTGACAGGTGAAGGTCAGCCCACCCCCAGGACCCGGGCTAGGACG[G>C]CACTGGCCTCCATGCTGGCATGGCTGGGACTCGCAGGGAGACAGGACAGTCTGACAGCGA-3'
Protein context (NP_000426.2, residues 1251-1271): ESQPCQHGGQ[Cys1261Trp]RPSPGPGGGL

ClinVar aggregate classification (germline): Likely pathogenic (1 of 4 stars; one submission).

Allele frequency attached by ClinVar (database versions not stated): gnomAD exomes below 0.00001.
gnomAD v4.1: 1 of 1,610,508 alleles (0.000062%); highest among the groups gnomAD compares: Non-Finnish European, 0.000085%; no homozygotes.

Submission:

Athena Diagnostics
Classification: Likely pathogenic. Last evaluated: 2023-05-09. Review status: criteria provided, single submitter. Criteria: Athena Diagnostics Criteria. Collection method: clinical testing. Allele origin: unknown.
Comment: This variant has not been reported in large, multi-ethnic general populations. This variant alters a critical location within the protein, and is expected to severely affect function and cause disease. Greater than 90% of NOTCH3 pathogenic variants associated with CADASIL involve the gain or loss of a cysteine residue within the epidermal growth factor (EGF)-like repeat domain (PMID: 32457593, 20301673).